The following is an entry in ClinVar:

ClinVar aggregate classification (germline): Uncertain significance (0 of 4 stars; one submission).

Conditions:
PHIP-related disorder. Also called: PHIP-related disorders; PHIP-related condition.

Submission:

PreventionGenetics, part of Exact Sciences
Classification: Uncertain significance for PHIP-related condition. Last evaluated: 2024-02-21. Review status: no assertion criteria provided. Collection method: clinical testing. Allele origin: germline.
Comment: The PHIP c.422G>A variant is predicted to result in the amino acid substitution p.Gly141Asp. To our knowledge, this variant has not been reported in the literature or in a large population database, indicating this variant is rare. At this time, the clinical significance of this variant is uncertain due to the absence of conclusive functional and genetic evidence.

NM_017934.7(PHIP):c.422G>A (p.Gly141Asp)

Gene: PHIP (PHIP subunit of CUL4-Ring ligase complex; minus strand). Cytogenetic location: 6q14.1.
Variant type: single nucleotide variant.
Coding change: c.422G>A on transcript NM_017934.7 (MANE Select); coding-DNA position 422, G replaced by A.
Protein change: p.Gly141Asp; replaces glycine 141 with aspartic acid.
Molecular consequence: missense variant.
Genome position (GRCh38, 1-based): chr6:79,060,495, C>T on the plus strand (G>A on the coding strand, the complement: PHIP is on the minus strand). VCF-style: chr6-79060495-C-T. GRCh37 (hg19) VCF-style: chr6-79770212-C-T.
Other names: short protein forms G141D.
Identifiers: ClinVar variation 3061215 (VCV003061215.2), dbSNP rs2482349224, ClinGen allele CA364650973.
Genomic context (GRCh38, chr6:79,060,495, plus strand): 5'-TTACCAAGAGGCTATTAACTACTAGTGAACTCAAACAACTCACCAATGCTGGGTGGGCTA[C>T]CATAGTTAACTGGTGACTCAGGTGGTCTTCCACAGTGCAACGCAGCCAGAGCAGATCCTT-3'
Protein context (NP_060404.4, residues 131-151): GRPPESPVNY[Gly141Asp]SPPSIADTLF